The following is an entry in ClinVar:

NM_000400.4(ERCC2):c.591_594del (p.Arg196_Tyr197insTer)

Gene: ERCC2 (ERCC excision repair 2, TFIIH core complex helicase subunit; minus strand). Cytogenetic location: 19q13.32.
Variant type: Deletion.
Coding change: c.591_594del on transcript NM_000400.4 (MANE Select); coding-DNA positions 591 to 594, 4 bases deleted (CTCA; older notation c.591_594delCTCA).
Protein change: p.Arg196_Tyr197insTer.
Molecular consequence: nonsense.
Genome position (GRCh38, 1-based): chr19:45,364,838-45,364,841, TGAG deleted on the plus strand (CTCA on the coding strand, the reverse complement: ERCC2 is on the minus strand); deleting any 4 consecutive bases within chr19:45,364,838-45,364,842 gives the same sequence; the c. name uses the placement nearest the transcript's 3' end. VCF-style (leftmost placement, unchanged base first): chr19-45364837-CTGAG-C. GRCh37 (hg19) VCF-style: chr19-45868095-CTGAG-C.
Other names: c.519_522del, p.Arg172_Tyr173insTer (NM_001130867.2).
Identifiers: ClinVar variation 1322829 (VCV001322829.10), dbSNP rs767747355, ClinGen allele CA9513735.

ClinVar aggregate classification (germline): Pathogenic. Review status: criteria provided, multiple submitters, no conflicts (2 of 4 stars). 5 submissions from 5 submitters: Pathogenic (4). 1 of the submissions does not count toward it. Last evaluated 2026-06-18.

Conditions:
Cerebrooculofacioskeletal syndrome 2 (COFS2). Identifiers: MedGen C1853102, MONDO:0012553, OMIM 610756.
Xeroderma pigmentosum, group D (XPD). Also called: XERODERMA PIGMENTOSUM IV; XP, GROUP D; XP, GROUP H; ERCC2-Related Xeroderma Pigmentosum; XERODERMA PIGMENTOSUM, COMPLEMENTATION GROUP D. Identifiers: MedGen C0268138, MONDO:0010212, OMIM 278730.
Trichothiodystrophy 1, photosensitive (TTD1). Also called: TAY SYNDROME; TRICHOTHIODYSTROPHY WITH CONGENITAL ICHTHYOSIS; PIBIDS SYNDROME. Identifiers: Orphanet 33364, MedGen C1866504, MONDO:0011125, OMIM 601675.
ERCC2-related disorder. Also called: ERCC2-related conditions; ERCC2-related condition; ERCC2-related disorders. Identifiers: MedGen CN239291.

Submissions (5):

Myriad Genetics, Inc.
Classification: Pathogenic for ERCC2-related disorder. Last evaluated: 2026-06-18. Review status: criteria provided, single submitter. Criteria: Myriad Autosomal Dominant, Autosomal Recessive and X-Linked Classification Criteria (2023). Collection method: clinical testing. Allele origin: unknown.
Comment: NM_000400.3(ERCC2):c.591_594delCTCA(Y197*) is a nonsense variant classified as pathogenic in the context of ERCC2-related disorders. Y197* has been observed in cases with relevant disease (PMID: 26993158, 9101292, 39244550). Relevant functional assessments of this variant are not available in the literature. Y197* has been observed in referenced population frequency databases. In summary, NM_000400.3(ERCC2):c.591_594delCTCA(Y197*) is a nonsense variant in a gene where loss of function is a known mechanism of disease, is predicted to disrupt protein function, and has been observed more frequently in cases with the relevant disease than in healthy populations. Please note: this variant was assessed in the context of healthy population screening.

Labcorp Genetics (formerly Invitae), Labcorp
Classification: Pathogenic. Last evaluated: 2025-11-23. Review status: criteria provided, single submitter. Criteria: Invitae Variant Classification Sherloc (09022015). Collection method: clinical testing. Allele origin: germline.
Comment: This sequence change creates a premature translational stop signal (p.Tyr197*) in the ERCC2 gene. It is expected to result in an absent or disrupted protein product. Loss-of-function variants in ERCC2 are known to be pathogenic (PMID: 9238033, 11335038, 19085937, 19934020). This variant is present in population databases (rs767747355, gnomAD 0.006%). This premature translational stop signal has been observed in individual(s) with xeroderma pigmentosum, group D (PMID: 26993158). ClinVar contains an entry for this variant (Variation ID: 1322829). Algorithms developed to predict the effect of sequence changes on RNA splicing suggest that this variant may disrupt the consensus splice site. For these reasons, this variant has been classified as Pathogenic.

Baylor Genetics
Classification: Pathogenic for Cerebrooculofacioskeletal syndrome 2. Last evaluated: 2023-11-28. Review status: criteria provided, single submitter. Criteria: ACMG Guidelines, 2015. Collection method: clinical testing. Allele origin: unknown.

Juno Genomics, Hangzhou Juno Genomics, Inc
Classification: Pathogenic for Xeroderma pigmentosum, group D; Cerebrooculofacioskeletal syndrome 2; Trichothiodystrophy 1, photosensitive. Review status: criteria provided, single submitter. Criteria: ACMG Guidelines, 2015. Collection method: clinical testing. Allele origin: germline.
Comment: Absent from controls (or at extremely low frequency if recessive) in Genome Aggregation Database.;Null variant in a gene where loss of function (LOF) is a known mechanism of disease.;For recessive disorders, detected in trans with a pathogenic variant.;Patient's phenotype or family history is highly specific for a disease with a single genetic etiology.

OMIM
Classification: Pathogenic for XERODERMA PIGMENTOSUM, COMPLEMENTATION GROUP D. Last evaluated: 1997-01-01. Review status: no assertion criteria provided. Collection method: literature only. Allele origin: germline. Not counted in ClinVar's aggregate classification.

Literature cited by the submitters: PubMed 26993158 (cited by Myriad Genetics, Inc. and Labcorp Genetics (formerly Invitae), Labcorp); PubMed 39244550 (cited by Myriad Genetics, Inc.); PubMed 9101292 (cited by Myriad Genetics, Inc. and OMIM); PubMed 9238033 (cited by Labcorp Genetics (formerly Invitae), Labcorp); PubMed 11335038 (cited by Labcorp Genetics (formerly Invitae), Labcorp); PubMed 19085937 (cited by Labcorp Genetics (formerly Invitae), Labcorp); PubMed 19934020 (cited by Labcorp Genetics (formerly Invitae), Labcorp).